The following is an entry in ClinVar:

NM_001142800.2(EYS):c.3280del (p.Cys1094fs)

Gene: EYS (EGF-like photoreceptor maintenance factor; minus strand). Cytogenetic location: 6q12.
Variant type: Deletion.
Coding change: c.3280del on transcript NM_001142800.2 (MANE Select); coding-DNA position 3280, one base deleted (T; older notation c.3280delT).
Protein change: p.Cys1094fs; shifts the reading frame from cysteine 1094.
Molecular consequence: frameshift variant.
Genome position (GRCh38, 1-based): chr6:64,813,541, A deleted on the plus strand (T on the coding strand, the reverse complement: EYS is on the minus strand). VCF-style (leftmost placement, unchanged base first): chr6-64813540-CA-C. GRCh37 (hg19) VCF-style: chr6-65523433-CA-C.
Other names: c.3280del, p.Cys1094fs (NM_001292009.2); short protein forms C1094fs.
Identifiers: ClinVar variation 2005309 (VCV002005309.5), dbSNP rs2533145305, ClinGen allele CA2580075660.

ClinVar aggregate classification (germline): Pathogenic. Review status: criteria provided, multiple submitters, no conflicts (2 of 4 stars). 2 submissions from 2 submitters: Pathogenic (2). Last evaluated 2026-03-26.

Conditions:
Retinitis pigmentosa 25 (RP25). Identifiers: Orphanet 791, MedGen C1864446, MONDO:0011272, OMIM 602772.

Submissions (2):

Myriad Genetics, Inc.
Classification: Pathogenic for Retinitis pigmentosa 25. Last evaluated: 2026-03-26. Review status: criteria provided, single submitter. Criteria: Myriad Autosomal Dominant, Autosomal Recessive and X-Linked Classification Criteria (2023). Collection method: clinical testing. Allele origin: unknown.
Comment: NM_001142800.1(EYS):c.3280delT(C1094Vfs*69) is a frameshift variant classified as pathogenic in the context of retinitis pigmentosa, EYS-related. C1094Vfs*69 has not been observed in cases with relevant disease. Relevant functional assessments of this variant are not available in the literature. C1094Vfs*69 has not been observed in referenced population frequency databases. In summary, NM_001142800.1(EYS):c.3280delT(C1094Vfs*69) is a frameshift variant in a gene where loss of function is a known mechanism of disease and is predicted to disrupt protein function. Please note: this variant was assessed in the context of healthy population screening.

Labcorp Genetics (formerly Invitae), Labcorp
Classification: Pathogenic. Last evaluated: 2024-12-16. Review status: criteria provided, single submitter. Criteria: Invitae Variant Classification Sherloc (09022015). Collection method: clinical testing. Allele origin: germline.
Comment: This sequence change creates a premature translational stop signal (p.Cys1094Valfs*69) in the EYS gene. It is expected to result in an absent or disrupted protein product. Loss-of-function variants in EYS are known to be pathogenic (PMID: 18836446, 20333770). This variant is not present in population databases (gnomAD no frequency). This variant has not been reported in the literature in individuals affected with EYS-related conditions. ClinVar contains an entry for this variant (Variation ID: 2005309). For these reasons, this variant has been classified as Pathogenic.

Literature cited by the submitters: PubMed 18836446 (cited by Labcorp Genetics (formerly Invitae), Labcorp); PubMed 20333770 (cited by Labcorp Genetics (formerly Invitae), Labcorp).